The following is an entry in ClinVar:

ClinVar aggregate classification (germline): Uncertain significance (1 of 4 stars; one submission).

Submission:

Ambry Genetics
Classification: Uncertain significance. Last evaluated: 2026-03-18. Review status: criteria provided, single submitter. Criteria: Ambry Variant Classification Scheme 2023. Collection method: clinical testing. Allele origin: germline.
Comment: The p.H1228Q variant (also known as c.3684T>A), located in coding exon 6 of the MLH3 gene, results from a T to A substitution at nucleotide position 3684. The histidine at codon 1228 is replaced by glutamine, an amino acid with highly similar properties. This amino acid position is conserved. In addition, this alteration is predicted to be deleterious by in silico analysis. Based on the available evidence, the clinical significance of this variant remains unclear.

NM_001040108.2(MLH3):c.3684T>A (p.His1228Gln)

Gene: MLH3 (mutL homolog 3; minus strand). Cytogenetic location: 14q24.3.
Variant type: single nucleotide variant.
Coding change: c.3684T>A on transcript NM_001040108.2 (MANE Select); coding-DNA position 3684, T replaced by A.
Protein change: p.His1228Gln; replaces histidine 1228 with glutamine.
Molecular consequence: missense variant. On other transcripts: intron variant (1).
Genome position (GRCh38, 1-based): chr14:75,033,450, A>T on the plus strand (T>A on the coding strand, the complement: MLH3 is on the minus strand). VCF-style: chr14-75033450-A-T. GRCh37 (hg19) VCF-style: chr14-75500153-A-T.
Other names: c.3644-1271T>A (NM_014381.3); short protein forms H1228Q.
Identifiers: ClinVar variation 4860163 (VCV004860163.1).